The following is an entry in ClinVar:

NC_000001.10:g.(?_94520647)_(94520891_?)del

Gene: ABCA4 (ATP binding cassette subfamily A member 4; minus strand). Cytogenetic location: 1p22.1.
Variant type: Deletion.
Identifiers: ClinVar variation 3247882 (VCV003247882.1).

ClinVar aggregate classification (germline): Pathogenic (1 of 4 stars; one submission).

Submission:

Labcorp Genetics (formerly Invitae), Labcorp
Classification: Pathogenic. Last evaluated: 2023-09-19. Review status: criteria provided, single submitter. Criteria: Invitae Variant Classification Sherloc (09022015). Collection method: clinical testing. Allele origin: unknown.
Comment: For these reasons, this variant has been classified as Pathogenic. A similar copy number variant has been observed in individual(s) with ABCA4-related conditions (PMID: 33302505). This variant is a gross deletion of the genomic region encompassing exon(s) 16 of the ABCA4 gene. This deletion is out-of-frame, and is expected to create a premature termination codon and result in an absent or disrupted protein product. Loss-of-function variants in ABCA4 are known to be pathogenic (PMID: 10958761, 24938718, 25312043, 26780318).

Literature cited by the submitters: PubMed 33302505; PubMed 10958761; PubMed 24938718; PubMed 25312043; PubMed 26780318.